The following is an entry in ClinVar:

NM_000264.5(PTCH1):c.2172dup (p.Pro725fs)

Genes: PTCH1 (patched 1; minus strand), LOC100507346 (uncharacterized LOC100507346; plus strand). Cytogenetic location: 9q22.32.
Variant type: Duplication.
Coding change: c.2172dup on transcript NM_000264.5 (MANE Select); coding-DNA position 2172, one base duplicated (G; older notation c.2172dupG).
Protein change: p.Pro725fs; shifts the reading frame from proline 725.
Molecular consequence: frameshift variant. On other transcripts: non-coding transcript variant (2).
Genome position (GRCh38, 1-based): chr9:95,468,829, C duplicated on the plus strand (G on the coding strand, the reverse complement: PTCH1 is on the minus strand). VCF-style (leftmost placement, unchanged base first): chr9-95468828-G-GC. GRCh37 (hg19) VCF-style: chr9-98231110-G-GC.
Other names: c.1974dup, p.Pro659fs (NM_001083602.3); c.2169dup, p.Pro724fs (NM_001083603.3); c.1719dup, p.Pro574fs (NM_001083604.3, NM_001083605.3, NM_001083606.3 and 1 more transcripts); c.2016dup, p.Pro673fs (NM_001354918.2); short protein forms P574fs, P659fs, P673fs, P724fs, P725fs.
Identifiers: ClinVar variation 1075463 (VCV001075463.9), dbSNP rs2118031073, ClinGen allele CA2499220054.
Genomic context (GRCh38, chr9:95,468,828, plus strand): 5'-AGAGGAAAGGAGCATAGTGCTTCTCAGCAAAAGATGAGAGTGTCCACTTCGTACAGGGGG[G>GC]CTCGAGGCAGTGGAGGCTGGAGTCGGAGAACTGGGAGAGCAGGTCCCTTGTGGAGCTGGT-3'

ClinVar aggregate classification (germline): Pathogenic (1 of 4 stars; one submission).

Conditions:
Gorlin syndrome. Also called: Basal cell nevus syndrome; Nevoid Basal Cell Carcinoma Syndrome. Identifiers: Orphanet 377, MedGen C0004779, MONDO:0007187.

Submission:

Labcorp Genetics (formerly Invitae), Labcorp
Classification: Pathogenic for Gorlin syndrome. Last evaluated: 2024-05-13. Review status: criteria provided, single submitter. Criteria: Invitae Variant Classification Sherloc (09022015). Collection method: clinical testing. Allele origin: germline.
Comment: This sequence change creates a premature translational stop signal (p.Pro725Alafs*13) in the PTCH1 gene. It is expected to result in an absent or disrupted protein product. Loss-of-function variants in PTCH1 are known to be pathogenic (PMID: 16301862, 16419085). This variant is not present in population databases (gnomAD no frequency). This premature translational stop signal has been observed in individual(s) with clinical features of PTCH1-related conditions (Invitae). ClinVar contains an entry for this variant (Variation ID: 1075463). For these reasons, this variant has been classified as Pathogenic.

Literature cited by the submitters: PubMed 16301862; PubMed 16419085.